The following is an entry in ClinVar:

NM_001377.3(DYNC2H1):c.11013A>C (p.Leu3671Phe)

Gene: DYNC2H1 (dynein cytoplasmic 2 heavy chain 1; plus strand). Cytogenetic location: 11q22.3.
Variant type: single nucleotide variant.
Coding change: c.11013A>C on transcript NM_001377.3 (MANE Select); coding-DNA position 11013, A replaced by C.
Protein change: p.Leu3671Phe; replaces leucine 3671 with phenylalanine.
Molecular consequence: missense variant.
Genome position (GRCh38, 1-based): chr11:103,286,377, A>C. VCF-style: chr11-103286377-A-C. GRCh37 (hg19) VCF-style: chr11-103157106-A-C.
Other names: c.11034A>C (NM_001080463.1); c.11034A>C, p.Leu3678Phe (NM_001080463.2); short protein forms L3671F, L3678F.
Identifiers: ClinVar variation 1049404 (VCV001049404.7), dbSNP rs768893643, ClinGen allele CA6255132.
Genomic context (GRCh38, chr11:103,286,377, plus strand): 5'-TTATAATAATTCAATGTGTGAGCAAGAGTTTCCATCTATCCTTGCAAAGAAAGTTTCCTT[A>C]TTTCAGCAGGTAAAATTTAGTGTTATCTAAATGCAAAAAAGTGTTTAATGTTTCTCTTAT-3'
Protein context (NP_001368.2, residues 3661-3681): FPSILAKKVS[Leu3671Phe]FQQILVVQAL

ClinVar aggregate classification (germline): Uncertain significance. Review status: criteria provided, multiple submitters, no conflicts (2 of 4 stars). 3 submissions from 3 submitters: Uncertain significance (2). 1 of the submissions does not count toward it. Last evaluated 2025-07-01.

Conditions:
Inborn genetic diseases. Identifiers: MedGen C0950123, MeSH D030342.
Jeune thoracic dystrophy. Also called: Jeune syndrome; Infantile thoracic dystrophy; Thoracic pelvic phalangeal dystrophy; Jeune's syndrome; Chondroectodermal dysplasia-like syndrome; Short-rib thoracic dysplasia. Identifiers: Orphanet 474, MedGen C0265275, MONDO:0018770.

Allele frequency attached by ClinVar (database versions not stated): gnomAD exomes 0.00002 and 0.00003; TOPMed 0.00002; gnomAD 0.00003; ExAC 0.00005.
gnomAD v4.1: 28 of 1,610,688 alleles (0.0017%); highest among the groups gnomAD compares: Non-Finnish European, 0.0023%; no homozygotes.

Submissions (3):

Ambry Genetics
Classification: Uncertain significance for Inborn genetic diseases. Last evaluated: 2025-07-01. Review status: criteria provided, single submitter. Criteria: Ambry Variant Classification Scheme 2023. Collection method: clinical testing. Allele origin: germline.

Labcorp Genetics (formerly Invitae), Labcorp
Classification: Uncertain significance for Jeune thoracic dystrophy. Last evaluated: 2021-09-24. Review status: criteria provided, single submitter. Criteria: Invitae Variant Classification Sherloc (09022015). Collection method: clinical testing. Allele origin: germline.
Comment: This sequence change replaces leucine with phenylalanine at codon 3678 of the DYNC2H1 protein (p.Leu3678Phe). The leucine residue is highly conserved and there is a small physicochemical difference between leucine and phenylalanine. This variant is present in population databases (rs768893643, ExAC 0.009%). This variant has not been reported in the literature in individuals with DYNC2H1-related conditions. ClinVar contains an entry for this variant (Variation ID: 1049404). Advanced modeling of protein sequence and biophysical properties (such as structural, functional, and spatial information, amino acid conservation, physicochemical variation, residue mobility, and thermodynamic stability) performed at Invitae indicates that this missense variant is not expected to disrupt DYNC2H1 protein function. In summary, the available evidence is currently insufficient to determine the role of this variant in disease. Therefore, it has been classified as a Variant of Uncertain Significance.

Department of Pathology and Laboratory Medicine, Sinai Health System
Classification: Uncertain significance. Review status: no assertion criteria provided. Collection method: clinical testing. Allele origin: unknown. Affected: yes. Study: The Canadian Open Genetics Repository (COGR). Not counted in ClinVar's aggregate classification.
Comment: The DYNC2H1 p.Leu3671Phe variant was not identified in the literature nor was it identified in ClinVar. The variant was identified in dbSNP (ID: rs768893643) but was identified in control databases in 10 of 276152 chromosomes at a frequency of 0.00003621 (Genome Aggregation Database March 6, 2019, v2.1.1). The variant was observed in the European (non-Finnish) population in 10 of 127078 chromosomes (freq: 0.000079), but was not observed in the African, Latino, Ashkenazi Jewish, East Asian, European (Finnish), Other, or South Asian populations. The p.Leu3671 residue is not conserved in mammals and four out of five computational analyses (PolyPhen-2, SIFT, AlignGVGD, BLOSUM, MutationTaster) do not suggest a high likelihood of impact to the protein; however, this information is not predictive enough to rule out pathogenicity. The variant occurs outside of the splicing consensus sequence and 2 of 4 in silico or computational prediction software programs (SpliceSiteFinder, MaxEntScan, NNSPLICE, GeneSplicer) predict a greater than 10% difference in splicing; this is not very predictive of pathogenicity. In summary, based on the above information the clinical significance of this variant cannot be determined with certainty at this time. This variant is classified as a variant of uncertain significance.